The following is an entry in ClinVar:

NM_000142.5(FGFR3):c.1135_1136delinsCG (p.Tyr379Arg)

Gene: FGFR3 (fibroblast growth factor receptor 3; plus strand). Cytogenetic location: 4p16.3.
Variant type: Indel.
Coding change: c.1135_1136delinsCG on transcript NM_000142.5 (MANE Select); coding-DNA positions 1135 to 1136, TA replaced by CG.
Protein change: p.Tyr379Arg; replaces tyrosine 379 with arginine.
Molecular consequence: missense variant. On other transcripts: non-coding transcript variant (1), intron variant (1).
Genome position (GRCh38, 1-based): chr4:1,804,389-1,804,390, TA replaced by CG. VCF-style: chr4-1804389-TA-CG. GRCh37 (hg19) VCF-style: chr4-1806116-TA-CG.
Other names: c.1141_1142delinsCG, p.Tyr381Arg (NM_001163213.2); c.1135_1136delinsCG, p.Tyr379Arg (NM_001354809.2, NM_001354810.2); c.931-435_931-434delinsCG (NM_022965.4); short protein forms Y381R, Y379R.
Identifiers: ClinVar variation 2721671 (VCV002721671.3), dbSNP rs2546821590, ClinGen allele CA2697557052.

ClinVar aggregate classification (germline): Uncertain significance (1 of 4 stars; one submission).

Submission:

Labcorp Genetics (formerly Invitae), Labcorp
Classification: Uncertain significance. Last evaluated: 2023-06-29. Review status: criteria provided, single submitter. Criteria: Invitae Variant Classification Sherloc (09022015). Collection method: clinical testing. Allele origin: germline.
Comment: Information on the frequency of this variant in the gnomAD database is not available, as this variant may be reported differently in the database. This sequence change replaces tyrosine, which is neutral and polar, with arginine, which is basic and polar, at codon 379 of the FGFR3 protein (p.Tyr379Arg). This missense change has been observed in individual(s) with clinical features of achondroplasia (Invitae). In summary, the available evidence is currently insufficient to determine the role of this variant in disease. Therefore, it has been classified as a Variant of Uncertain Significance. An algorithm developed to predict the effect of missense changes on protein structure and function (PolyPhen-2) suggests that this variant is likely to be disruptive.